The following is an entry in ClinVar:

NM_133433.4(NIPBL):c.938A>G (p.Asp313Gly)

Gene: NIPBL (NIPBL cohesin loading factor; plus strand). Cytogenetic location: 5p13.2.
Variant type: single nucleotide variant.
Coding change: c.938A>G on transcript NM_133433.4 (MANE Select); coding-DNA position 938, A replaced by G.
Protein change: p.Asp313Gly; replaces aspartic acid 313 with glycine.
Molecular consequence: missense variant.
Genome position (GRCh38, 1-based): chr5:36,975,845, A>G. VCF-style: chr5-36975845-A-G. GRCh37 (hg19) VCF-style: chr5-36975947-A-G.
Other names: c.938A>G, p.Asp313Gly (NM_015384.5); short protein forms D313G.
Identifiers: ClinVar variation 2170866 (VCV002170866.4), dbSNP rs1419053503, ClinGen allele CA359482745.

ClinVar aggregate classification (germline): Uncertain significance (1 of 4 stars; one submission).

Conditions:
Cornelia de Lange syndrome 1 (CDLS1). Also called: NIPBL-Related Cornelia de Lange Syndrome; TYPUS DEGENERATIVUS AMSTELODAMENSIS; Brachmann de Lange syndrome. Identifiers: Orphanet 199, MedGen C4551851, MONDO:0007387, OMIM 122470.

Allele frequency attached by ClinVar (database versions not stated): gnomAD exomes 0.00001; TOPMed 0.00001.
gnomAD v4.1: 3 of 1,612,762 alleles (0.00019%); highest among the groups gnomAD compares: Admixed American, 0.0033%; no homozygotes.

Submission:

Labcorp Genetics (formerly Invitae), Labcorp
Classification: Uncertain significance for Cornelia de Lange syndrome 1. Last evaluated: 2026-01-17. Review status: criteria provided, single submitter. Criteria: Invitae Variant Classification Sherloc (09022015). Collection method: clinical testing. Allele origin: germline.
Comment: This sequence change replaces aspartic acid, which is acidic and polar, with glycine, which is neutral and non-polar, at codon 313 of the NIPBL protein (p.Asp313Gly). This variant is present in population databases (no rsID available, gnomAD 0.006%). This variant has not been reported in the literature in individuals affected with NIPBL-related conditions. ClinVar contains an entry for this variant (Variation ID: 2170866). Invitae Evidence Modeling of protein sequence and biophysical properties (such as structural, functional, and spatial information, amino acid conservation, physicochemical variation, residue mobility, and thermodynamic stability) has been performed for this missense variant. However, the output from this modeling did not meet the statistical confidence thresholds required to predict the impact of this variant on NIPBL protein function. Algorithms developed to predict the effect of sequence changes on RNA splicing suggest that this variant may create or strengthen a splice site. In summary, the available evidence is currently insufficient to determine the role of this variant in disease. Therefore, it has been classified as a Variant of Uncertain Significance.